The following is an entry in ClinVar:

NM_017433.5(MYO3A):c.545G>A (p.Arg182Gln)

Gene: MYO3A (myosin IIIA; plus strand). Cytogenetic location: 10p12.1.
Variant type: single nucleotide variant.
Coding change: c.545G>A on transcript NM_017433.5 (MANE Select); coding-DNA position 545, G replaced by A.
Protein change: p.Arg182Gln; replaces arginine 182 with glutamine.
Molecular consequence: missense variant.
Genome position (GRCh38, 1-based): chr10:26,016,856, G>A. VCF-style: chr10-26016856-G-A. GRCh37 (hg19) VCF-style: chr10-26305785-G-A.
Other names: c.545G>A, p.Arg182Gln (NM_001368265.1); short protein forms R182Q.
Identifiers: ClinVar variation 3573538 (VCV003573538.1).

ClinVar aggregate classification (germline): Uncertain significance (1 of 4 stars; one submission).

gnomAD v4.1: 14 of 1,614,020 alleles (0.00087%); highest among the groups gnomAD compares: African/African-American, 0.0013%; no homozygotes.

Submission:

GeneDx
Classification: Uncertain significance. Last evaluated: 2024-07-15. Review status: criteria provided, single submitter. Criteria: GeneDx Variant Classification Process June 2021. Collection method: clinical testing. Allele origin: germline. Affected: yes.
Comment: Not observed at significant frequency in large population cohorts (gnomAD); In silico analysis supports that this missense variant has a deleterious effect on protein structure/function; Has not been previously published as pathogenic or benign to our knowledge